The following is an entry in ClinVar:

NM_001017995.3(SH3PXD2B):c.2387G>A (p.Arg796His)

Gene: SH3PXD2B (SH3 and PX domains 2B; minus strand). Cytogenetic location: 5q35.1.
Variant type: single nucleotide variant.
Coding change: c.2387G>A on transcript NM_001017995.3 (MANE Select); coding-DNA position 2387, G replaced by A.
Protein change: p.Arg796His; replaces arginine 796 with histidine.
Molecular consequence: missense variant. On other transcripts: intron variant (1).
Genome position (GRCh38, 1-based): chr5:172,338,718, C>T on the plus strand (G>A on the coding strand, the complement: SH3PXD2B is on the minus strand). VCF-style: chr5-172338718-C-T. GRCh37 (hg19) VCF-style: chr5-171765722-C-T.
Other names: c.2387G>A (NM_001017995.2); c.1188+7418G>A (NM_001308175.2); short protein forms R796H.
Identifiers: ClinVar variation 2192555 (VCV002192555.4), dbSNP rs755644957, ClinGen allele CA3560978.

ClinVar aggregate classification (germline): Uncertain significance. Review status: criteria provided, multiple submitters, no conflicts (2 of 4 stars). 2 submissions from 2 submitters: Uncertain significance (2). Last evaluated 2025-08-12.

Conditions:
Inborn genetic diseases. Identifiers: MedGen C0950123, MeSH D030342.

Allele frequency attached by ClinVar (database versions not stated): gnomAD exomes below 0.00001; ExAC 0.00002; gnomAD 0.00003; TOPMed 0.00003.
gnomAD v4.1: 12 of 1,614,088 alleles (0.00074%); highest among the groups gnomAD compares: Admixed American, 0.005%; no homozygotes.

Submissions (2):

Ambry Genetics
Classification: Uncertain significance for Inborn genetic diseases. Last evaluated: 2025-08-12. Review status: criteria provided, single submitter. Criteria: Ambry Variant Classification Scheme 2023. Collection method: clinical testing. Allele origin: germline.

Labcorp Genetics (formerly Invitae), Labcorp
Classification: Uncertain significance. Last evaluated: 2022-03-20. Review status: criteria provided, single submitter. Criteria: Invitae Variant Classification Sherloc (09022015). Collection method: clinical testing. Allele origin: germline.
Comment: This sequence change replaces arginine, which is basic and polar, with histidine, which is basic and polar, at codon 796 of the SH3PXD2B protein (p.Arg796His). This variant is present in population databases (rs755644957, gnomAD 0.004%). This variant has not been reported in the literature in individuals affected with SH3PXD2B-related conditions. Algorithms developed to predict the effect of missense changes on protein structure and function output the following: SIFT: "Deleterious"; PolyPhen-2: "Possibly Damaging"; Align-GVGD: "Class C25". The histidine amino acid residue is found in multiple mammalian species, which suggests that this missense change does not adversely affect protein function. In summary, the available evidence is currently insufficient to determine the role of this variant in disease. Therefore, it has been classified as a Variant of Uncertain Significance.